The following is an entry in ClinVar:

ClinVar aggregate classification (germline): Uncertain significance (1 of 4 stars; one submission).

Conditions:
Primary dilated cardiomyopathy (DCM). Also called: Dilated Cardiomyopathy. Identifiers: Orphanet 217604, MedGen C0007193, MeSH D002311, MONDO:0005021, HP:0001644. Inheritance: Various modes of inheritance.

Submission:

Labcorp Genetics (formerly Invitae), Labcorp
Classification: Uncertain significance for Primary dilated cardiomyopathy. Last evaluated: 2025-12-15. Review status: criteria provided, single submitter. Criteria: Invitae Variant Classification Sherloc (09022015). Collection method: clinical testing. Allele origin: germline.
Comment: This sequence change falls in intron 13 of the TXNRD2 gene. It does not directly change the encoded amino acid sequence of the TXNRD2 protein. It affects a nucleotide within the consensus splice site. Information on the frequency of this variant in the gnomAD database is not available, as this variant may be reported differently in the database. This variant has not been reported in the literature in individuals affected with TXNRD2-related conditions. Variants that disrupt the consensus splice site are a relatively common cause of aberrant splicing (PMID: 17576681, 9536098). In summary, the available evidence is currently insufficient to determine the role of this variant in disease. Therefore, it has been classified as a Variant of Uncertain Significance.

Literature cited by the submitters: PubMed 17576681; PubMed 9536098.

NM_006440.5(TXNRD2):c.1183-8_1183-7delinsAA

Gene: TXNRD2 (thioredoxin reductase 2; minus strand). Cytogenetic location: 22q11.21.
Variant type: Indel.
Coding change: c.1183-8_1183-7delinsAA on transcript NM_006440.5 (MANE Select); 8 bases into the intron before coding-DNA position 1183 through 7 bases into the intron before coding-DNA position 1183, GC replaced by AA.
Molecular consequence: intron variant.
Genome position (GRCh38, 1-based): chr22:19,880,278-19,880,279, GC replaced by TT on the plus strand (GC replaced by AA on the coding strand, the reverse complement: TXNRD2 is on the minus strand). VCF-style: chr22-19880278-GC-TT. GRCh37 (hg19) VCF-style: chr22-19867801-GC-TT.
Other names: c.1180-8_1180-7delinsAA (NM_001352300.2); c.895-8_895-7delinsAA (NM_001352302.2); c.1093-8_1093-7delinsAA (NM_001352301.2).
Identifiers: ClinVar variation 4807035 (VCV004807035.1).